The following is an entry in ClinVar:

ClinVar aggregate classification (germline): Uncertain significance (1 of 4 stars; one submission).

Conditions:
FG syndrome (FGS). Identifiers: MedGen C0220769, MONDO:0002010.

Submission:

Labcorp Genetics (formerly Invitae), Labcorp
Classification: Uncertain significance for FG syndrome. Last evaluated: 2020-12-04. Review status: criteria provided, single submitter. Criteria: Invitae Variant Classification Sherloc (09022015). Collection method: clinical testing. Allele origin: germline.
Comment: This variant is not present in population databases (ExAC no frequency). This variant has not been reported in the literature in individuals with MED12-related conditions. Experimental studies and prediction algorithms are not available or were not evaluated, and the functional significance of this variant is currently unknown. In summary, the available evidence is currently insufficient to determine the role of this variant in disease. Therefore, it has been classified as a Variant of Uncertain Significance. This variant, c.6300_6308del, results in the deletion of 3 amino acid(s) of the MED12 protein (p.Gln2113_Gln2115del), but otherwise preserves the integrity of the reading frame.

NM_005120.3(MED12):c.6288GCA[4] (p.Gln2113_Gln2115del)

Gene: MED12 (mediator complex subunit 12; plus strand). Cytogenetic location: Xq13.1.
Variant type: Microsatellite.
Coding change: c.6288GCA[4] on transcript NM_005120.3 (MANE Select); four copies in a row of the 3-base unit GCA starting at c.6288; the reference has seven copies in a row; three copies, 9 bases deleted.
Protein change: p.Gln2113_Gln2115del.
Molecular consequence: inframe deletion.
Genome position (GRCh38, 1-based): chrX:71,141,262-71,141,270, GCAGCAGCA deleted; deleting any 9 consecutive bases within chrX:71,141,248-71,141,270 gives the same sequence; the position shown is the placement nearest the transcript's 3' end. VCF-style (leftmost placement, unchanged base first): chrX-71141247-ACAGCAGCAG-A. GRCh37 (hg19) VCF-style: chrX-70361097-ACAGCAGCAG-A.
Identifiers: ClinVar variation 1382178 (VCV001382178.8), dbSNP rs766775649, ClinGen allele CA2436358961.